The following is an entry in ClinVar:

NM_002979.5(SCP2):c.340G>C (p.Glu114Gln)

Gene: SCP2 (sterol carrier protein 2; plus strand). Cytogenetic location: 1p32.3.
Variant type: single nucleotide variant.
Coding change: c.340G>C on transcript NM_002979.5 (MANE Select); coding-DNA position 340, G replaced by C.
Protein change: p.Glu114Gln; replaces glutamic acid 114 with glutamine.
Molecular consequence: missense variant.
Genome position (GRCh38, 1-based): chr1:52,954,748, G>C. VCF-style: chr1-52954748-G-C. GRCh37 (hg19) VCF-style: chr1-53420420-G-C.
Other names: c.208G>C, p.Glu70Gln (NM_001007098.3, NM_001193600.2); c.268G>C, p.Glu90Gln (NM_001193599.2); c.97G>C, p.Glu33Gln (NM_001193617.2); c.340G>C, p.Glu114Gln (NM_001330587.2); short protein forms E33Q, E90Q, E70Q, E114Q.
Identifiers: ClinVar variation 1505674 (VCV001505674.8), dbSNP rs2150131694, ClinGen allele CA340376424.

ClinVar aggregate classification (germline): Uncertain significance (1 of 4 stars; one submission).

Submission:

Labcorp Genetics (formerly Invitae), Labcorp
Classification: Uncertain significance. Last evaluated: 2021-07-16. Review status: criteria provided, single submitter. Criteria: Invitae Variant Classification Sherloc (09022015). Collection method: clinical testing. Allele origin: germline.
Comment: This sequence change replaces glutamic acid with glutamine at codon 114 of the SCP2 protein (p.Glu114Gln). The glutamic acid residue is weakly conserved and there is a small physicochemical difference between glutamic acid and glutamine. This variant is not present in population databases (ExAC no frequency). This variant has not been reported in the literature in individuals affected with SCP2-related conditions. Algorithms developed to predict the effect of missense changes on protein structure and function are either unavailable or do not agree on the potential impact of this missense change (SIFT: "Deleterious"; PolyPhen-2: "Benign"; Align-GVGD: "Class C0"). In summary, the available evidence is currently insufficient to determine the role of this variant in disease. Therefore, it has been classified as a Variant of Uncertain Significance.